The following is an entry in ClinVar:

ClinVar aggregate classification (germline): Uncertain significance (1 of 4 stars; one submission).

Conditions:
Baller-Gerold syndrome (BGS). Also called: CRANIOSYNOSTOSIS WITH RADIAL DEFECTS. Identifiers: Orphanet 1225, MedGen C0265308, MONDO:0009039, OMIM 218600.

Submission:

Labcorp Genetics (formerly Invitae), Labcorp
Classification: Uncertain significance for Baller-Gerold syndrome. Last evaluated: 2023-06-09. Review status: criteria provided, single submitter. Criteria: Invitae Variant Classification Sherloc (09022015). Collection method: clinical testing. Allele origin: germline.
Comment: In summary, the available evidence is currently insufficient to determine the role of this variant in disease. Therefore, it has been classified as a Variant of Uncertain Significance. This sequence change replaces methionine, which is neutral and non-polar, with lysine, which is basic and polar, at codon 898 of the RECQL4 protein (p.Met898Lys). This variant is not present in population databases (gnomAD no frequency). This variant has not been reported in the literature in individuals affected with RECQL4-related conditions. Advanced modeling of protein sequence and biophysical properties (such as structural, functional, and spatial information, amino acid conservation, physicochemical variation, residue mobility, and thermodynamic stability) performed at Invitae indicates that this missense variant is not expected to disrupt RECQL4 protein function.

NM_004260.4(RECQL4):c.2693T>A (p.Met898Lys)

Gene: RECQL4 (RecQ like helicase 4; minus strand). Cytogenetic location: 8q24.3.
Variant type: single nucleotide variant.
Coding change: c.2693T>A on transcript NM_004260.4 (MANE Select); coding-DNA position 2693, T replaced by A.
Protein change: p.Met898Lys; replaces methionine 898 with lysine.
Molecular consequence: missense variant. On other transcripts: non-coding transcript variant (3).
Genome position (GRCh38, 1-based): chr8:144,512,909, A>T on the plus strand (T>A on the coding strand, the complement: RECQL4 is on the minus strand). VCF-style: chr8-144512909-A-T. GRCh37 (hg19) VCF-style: chr8-145738292-A-T.
Other names: c.2399T>A, p.Met800Lys (NM_001413017.1); c.2495T>A, p.Met832Lys (NM_001413018.1); c.2693T>A, p.Met898Lys (NM_001413019.1, NM_001413036.1); c.2597T>A, p.Met866Lys (NM_001413020.1); c.1622T>A, p.Met541Lys (NM_001413021.1, NM_001413022.1, NM_001413023.1 and 5 more transcripts); c.2564T>A, p.Met855Lys (NM_001413025.1); c.1556T>A, p.Met519Lys (NM_001413027.1, NM_001413030.1, NM_001413032.1 and 1 more transcripts); c.2342T>A, p.Met781Lys (NM_001413029.1); and 6 more; short protein forms M519K, M800K, M854K, M855K, M541K, M781K, M832K, M866K.
Identifiers: ClinVar variation 2733727 (VCV002733727.3), dbSNP rs771630323, ClinGen allele CA372675180.